The following is an entry in ClinVar:

NM_001394962.1(KIAA1210):c.1739A>T (p.Asp580Val)

Gene: KIAA1210 (KIAA1210; minus strand). Cytogenetic location: Xq24.
Variant type: single nucleotide variant.
Coding change: c.1739A>T on transcript NM_001394962.1 (MANE Select); coding-DNA position 1739, A replaced by T.
Protein change: p.Asp580Val; replaces aspartic acid 580 with valine.
Molecular consequence: missense variant.
Genome position (GRCh38, 1-based): chrX:119,088,963, T>A on the plus strand (A>T on the coding strand, the complement: KIAA1210 is on the minus strand). VCF-style: chrX-119088963-T-A. GRCh37 (hg19) VCF-style: chrX-118222926-T-A.
Other names: c.2267A>T, p.Asp756Val (NM_020721.1); short protein forms D580V, D756V.
Identifiers: ClinVar variation 2661286 (VCV002661286.24), dbSNP rs755472233, ClinGen allele CA10501201.

ClinVar aggregate classification (germline): Likely benign (1 of 4 stars; one submission).

gnomAD v4.1: 66 of 1,209,966 alleles (0.0055%); highest among the groups gnomAD compares: Non-Finnish European, 0.007%; no homozygotes.

Submission:

CeGaT Center for Human Genetics Tuebingen
Classification: Likely benign. Last evaluated: 2022-10-01. Review status: criteria provided, single submitter. Criteria: CeGaT Center For Human Genetics Tuebingen Variant Classification Criteria Version 2. Collection method: clinical testing. Allele origin: germline. Affected: yes. Observed: 1 variant allele.
Comment: KIAA1210: BP4